The following is an entry in ClinVar:

ClinVar aggregate classification (germline): Uncertain significance (1 of 4 stars; one submission).

Conditions:
Lipoic acid synthetase deficiency. Also called: HYPERGLYCINEMIA, LACTIC ACIDOSIS, AND SEIZURES. Identifiers: Orphanet 401859, MedGen C3280887, MONDO:0013762, OMIM 614462.

Submission:

Labcorp Genetics (formerly Invitae), Labcorp
Classification: Uncertain significance for Lipoic acid synthetase deficiency. Last evaluated: 2021-11-24. Review status: criteria provided, single submitter. Criteria: Invitae Variant Classification Sherloc (09022015). Collection method: clinical testing. Allele origin: germline.
Comment: In summary, the available evidence is currently insufficient to determine the role of this variant in disease. Therefore, it has been classified as a Variant of Uncertain Significance. Experimental studies and prediction algorithms are not available or were not evaluated, and the functional significance of this variant is currently unknown. This variant has not been reported in the literature in individuals affected with LIAS-related conditions. Information on the frequency of this variant in the gnomAD database is not available, as this variant may be reported differently in the database. This sequence change replaces aspartic acid with tyrosine at codon 156 of the LIAS protein (p.Asp156Tyr). The aspartic acid residue is highly conserved and there is a large physicochemical difference between aspartic acid and tyrosine.

NM_006859.4(LIAS):c.465_466delinsTT (p.Asp156Tyr)

Gene: LIAS (lipoic acid synthetase; plus strand). Cytogenetic location: 4p14.
Variant type: Indel.
Coding change: c.465_466delinsTT on transcript NM_006859.4 (MANE Select); coding-DNA positions 465 to 466, GG replaced by TT.
Protein change: p.Asp156Tyr; replaces aspartic acid 156 with tyrosine.
Molecular consequence: missense variant. On other transcripts: intron variant (1).
Genome position (GRCh38, 1-based): chr4:39,465,117-39,465,118, GG replaced by TT. VCF-style: chr4-39465117-GG-TT. GRCh37 (hg19) VCF-style: chr4-39466737-GG-TT.
Other names: c.465_466delinsTT, p.Asp156Tyr (NM_001278590.2, NM_194451.3); c.299+1512_299+1513delinsTT (NM_001363700.2); short protein forms D156Y.
Identifiers: ClinVar variation 1463572 (VCV001463572.6), dbSNP rs2109875370, ClinGen allele CA2573137705.
Genomic context (GRCh38, chr4:39,465,117, plus strand): 5'-CACATGTACAAGAGGTTGCAGATTTTGTTCTGTTAAGACTGCAAGAAATCCTCCTCCACT[GG>TT]ATGCCAGTGAGCCCTACAATACTGCAAAGGCAATTGCAGAATGGGGTCTGGATTATGTTG-3'
Protein context (NP_006850.2, residues 146-166): VKTARNPPPL[Asp156Tyr]ASEPYNTAKA